The following is an entry in ClinVar:

NM_000051.4(ATM):c.2044G>A (p.Val682Ile)

Gene: ATM (ATM serine/threonine kinase; plus strand). Cytogenetic location: 11q22.3.
Variant type: single nucleotide variant.
Coding change: c.2044G>A on transcript NM_000051.4 (MANE Select); coding-DNA position 2044, G replaced by A.
Protein change: p.Val682Ile; replaces valine 682 with isoleucine.
Molecular consequence: missense variant.
Genome position (GRCh38, 1-based): chr11:108,253,959, G>A. VCF-style: chr11-108253959-G-A. GRCh37 (hg19) VCF-style: chr11-108124686-G-A.
Other names: c.2044G>A, p.Val682Ile (NM_001351834.2); short protein forms V682I.
Identifiers: ClinVar variation 4618358 (VCV004618358.1).

ClinVar aggregate classification (germline): Uncertain significance (1 of 4 stars; one submission).

Conditions:
Hereditary cancer-predisposing syndrome. Also called: Neoplastic Syndromes, Hereditary; Tumor predisposition; Hereditary Cancer Syndrome; Hereditary neoplastic syndrome. Identifiers: Orphanet 140162, MedGen C0027672, MeSH D009386, MONDO:0015356.

Submission:

Ambry Genetics
Classification: Uncertain significance for Hereditary cancer-predisposing syndrome. Last evaluated: 2025-11-14. Review status: criteria provided, single submitter. Criteria: Ambry Variant Classification Scheme 2023. Collection method: clinical testing. Allele origin: germline.
Comment: The p.V682I variant (also known as c.2044G>A), located in coding exon 12 of the ATM gene, results from a G to A substitution at nucleotide position 2044. The valine at codon 682 is replaced by isoleucine, an amino acid with highly similar properties. This amino acid position is well conserved in available vertebrate species. In addition, this alteration is predicted to be tolerated by in silico analysis. Based on the available evidence, the clinical significance of this variant remains unclear.